The following is an entry in ClinVar:

NM_001112741.2(KCNC1):c.1625G>T (p.Arg542Ile)

Gene: KCNC1 (potassium voltage-gated channel subfamily C member 1; plus strand). Cytogenetic location: 11p15.1.
Variant type: single nucleotide variant.
Coding change: c.1625G>T on transcript NM_001112741.2 (MANE Select); coding-DNA position 1625, G replaced by T.
Protein change: p.Arg542Ile; replaces arginine 542 with isoleucine.
Molecular consequence: missense variant.
Genome position (GRCh38, 1-based): chr11:17,779,576, G>T. VCF-style: chr11-17779576-G-T. GRCh37 (hg19) VCF-style: chr11-17801123-G-T.
Other names: c.1625G>T (NM_001112741.1); short protein forms R542I.
Identifiers: ClinVar variation 1388454 (VCV001388454.7), dbSNP rs1021551048, ClinGen allele CA218475333.

ClinVar aggregate classification (germline): Uncertain significance. Review status: criteria provided, multiple submitters, no conflicts (2 of 4 stars). 2 submissions from 2 submitters: Uncertain significance (2). Last evaluated 2025-04-11.

Conditions:
Inborn genetic diseases. Identifiers: MedGen C0950123, MeSH D030342.
Progressive myoclonic epilepsy type 7. Identifiers: Orphanet 435438, MedGen C4015420, MONDO:0014521, OMIM 616187.

gnomAD v4.1: 10 of 1,551,592 alleles (0.00064%); highest among the groups gnomAD compares: Non-Finnish European, 0.00087%; no homozygotes.

Submissions (2):

Ambry Genetics
Classification: Uncertain significance for Inborn genetic diseases. Last evaluated: 2025-04-11. Review status: criteria provided, single submitter. Criteria: Ambry Variant Classification Scheme 2023. Collection method: clinical testing. Allele origin: germline.

Labcorp Genetics (formerly Invitae), Labcorp
Classification: Uncertain significance for Progressive myoclonic epilepsy type 7. Last evaluated: 2021-10-29. Review status: criteria provided, single submitter. Criteria: Invitae Variant Classification Sherloc (09022015). Collection method: clinical testing. Allele origin: germline.
Comment: This variant is not present in population databases (gnomAD no frequency). This sequence change replaces arginine, which is basic and polar, with isoleucine, which is neutral and non-polar, at codon 542 of the KCNC1 protein (p.Arg542Ile). This variant has not been reported in the literature in individuals affected with KCNC1-related conditions. Advanced modeling of protein sequence and biophysical properties (such as structural, functional, and spatial information, amino acid conservation, physicochemical variation, residue mobility, and thermodynamic stability) performed at Invitae indicates that this missense variant is expected to disrupt KCNC1 protein function. In summary, the available evidence is currently insufficient to determine the role of this variant in disease. Therefore, it has been classified as a Variant of Uncertain Significance.